The following is an entry in ClinVar:

NM_005732.3:c.2923-5insT

Gene: RAD50 (RAD50 double strand break repair protein; plus strand). Cytogenetic location: 5q31.1.
Variant type: Insertion.
Identifiers: ClinVar variation 182821 (VCV000182821.1).

ClinVar aggregate classification (germline): Benign (1 of 4 stars; one submission).

Conditions:
Hereditary cancer-predisposing syndrome. Also called: Tumor predisposition; Hereditary Cancer Syndrome; Hereditary neoplastic syndrome; Neoplastic Syndromes, Hereditary. Identifiers: Orphanet 140162, MedGen C0027672, MeSH D009386, MONDO:0015356.

Submission:

GeneDx
Classification: Benign for Neoplastic Syndromes, Hereditary. Last evaluated: 2013-10-23. Review status: criteria provided, single submitter. Criteria: GeneDx Variant Classification (06012015). Collection method: clinical testing. Allele origin: germline. Affected: yes.
Comment: The variant is found in BR-OV-HEREDIC,HEREDICANCER panel(s).